The following is an entry in ClinVar:

ClinVar aggregate classification (germline): Likely benign (0 of 4 stars; one submission).

Conditions:
KMT2C-related disorder. Also called: KMT2C-related disorders; KMT2C-related condition.

Submission:

PreventionGenetics, part of Exact Sciences
Classification: Likely benign for KMT2C-related condition. Last evaluated: 2021-11-30. Review status: no assertion criteria provided. Collection method: clinical testing. Allele origin: germline.
Comment: This variant is classified as likely benign based on ACMG/AMP sequence variant interpretation guidelines (Richards et al. 2015 PMID: 25741868, with internal and published modifications).

NM_170606.3(KMT2C):c.14154T>C (p.His4718=)

Gene: KMT2C (lysine methyltransferase 2C; minus strand). Cytogenetic location: 7q36.1.
Variant type: single nucleotide variant.
Coding change: c.14154T>C on transcript NM_170606.3 (MANE Select); coding-DNA position 14154, T replaced by C.
Protein change: p.His4718=; no amino-acid change (histidine 4718 retained).
Molecular consequence: synonymous variant.
Genome position (GRCh38, 1-based): chr7:152,145,173, A>G on the plus strand (T>C on the coding strand, the complement: KMT2C is on the minus strand). VCF-style: chr7-152145173-A-G. GRCh37 (hg19) VCF-style: chr7-151842258-A-G.
Identifiers: ClinVar variation 3029706 (VCV003029706.2), dbSNP rs2129093244, ClinGen allele CA458692576.